The following is an entry in ClinVar:

ClinVar aggregate classification (germline): Uncertain significance. Review status: criteria provided, single submitter (1 of 4 stars). 2 submissions from 2 submitters: Uncertain significance (1). 1 of the submissions does not count toward it. Last evaluated 2024-12-02.

Conditions:
Joubert syndrome. Also called: CEREBELLOPARENCHYMAL DISORDER IV; JOUBERT-BOLTSHAUSER SYNDROME; Familial aplasia of the vermis. Identifiers: Orphanet 475, MedGen C5979921, MONDO:0018772.
INPP5E-related disorder. Also called: INPP5E-related condition.

Allele frequency attached by ClinVar (database versions not stated): ExAC 0.00001; gnomAD exomes 0.00001; TOPMed 0.00002.
gnomAD v4.1: 4 of 1,611,778 alleles (0.00025%); highest among the groups gnomAD compares: Admixed American, 0.0067%; no homozygotes.

Submissions (2):

Labcorp Genetics (formerly Invitae), Labcorp
Classification: Uncertain significance for Joubert syndrome. Last evaluated: 2024-12-02. Review status: criteria provided, single submitter. Criteria: Invitae Variant Classification Sherloc (09022015). Collection method: clinical testing. Allele origin: germline.
Comment: This sequence change replaces lysine, which is basic and polar, with glutamic acid, which is acidic and polar, at codon 521 of the INPP5E protein (p.Lys521Glu). This variant is present in population databases (rs773033007, gnomAD 0.01%). This variant has not been reported in the literature in individuals affected with INPP5E-related conditions. ClinVar contains an entry for this variant (Variation ID: 2194314). Invitae Evidence Modeling of protein sequence and biophysical properties (such as structural, functional, and spatial information, amino acid conservation, physicochemical variation, residue mobility, and thermodynamic stability) has been performed for this missense variant. However, the output from this modeling did not meet the statistical confidence thresholds required to predict the impact of this variant on INPP5E protein function. In summary, the available evidence is currently insufficient to determine the role of this variant in disease. Therefore, it has been classified as a Variant of Uncertain Significance.

PreventionGenetics, part of Exact Sciences
Classification: Uncertain significance for INPP5E-related condition. Last evaluated: 2024-05-27. Review status: no assertion criteria provided. Collection method: clinical testing. Allele origin: germline. Not counted in ClinVar's aggregate classification.
Comment: The INPP5E c.1561A>G variant is predicted to result in the amino acid substitution p.Lys521Glu. To our knowledge, this variant has not been reported in the literature. This variant is reported in 0.015% of alleles in individuals of Latino descent in gnomAD. At this time, the clinical significance of this variant is uncertain due to the absence of conclusive functional and genetic evidence.

NM_019892.6(INPP5E):c.1561A>G (p.Lys521Glu)

Gene: INPP5E (inositol polyphosphate-5-phosphatase E; minus strand). Cytogenetic location: 9q34.3.
Variant type: single nucleotide variant.
Coding change: c.1561A>G on transcript NM_019892.6 (MANE Select); coding-DNA position 1561, A replaced by G.
Protein change: p.Lys521Glu; replaces lysine 521 with glutamic acid.
Molecular consequence: missense variant.
Genome position (GRCh38, 1-based): chr9:136,431,106, T>C on the plus strand (A>G on the coding strand, the complement: INPP5E is on the minus strand). VCF-style: chr9-136431106-T-C. GRCh37 (hg19) VCF-style: chr9-139325558-T-C.
Other names: c.1561A>G (NM_019892.5); c.1558A>G, p.Lys520Glu (NM_001318502.2); short protein forms K521E, K520E.
Identifiers: ClinVar variation 2194314 (VCV002194314.5), dbSNP rs773033007, ClinGen allele CA5336725.